The following is an entry in ClinVar:

ClinVar aggregate classification (germline): Likely pathogenic (1 of 4 stars; one submission).

Conditions:
Miyoshi muscular dystrophy 1 (MMD1). Identifiers: Orphanet 45448, MedGen C4551973, MONDO:0024545, OMIM 254130.
Autosomal recessive limb-girdle muscular dystrophy type 2B (LGMDR2). Also called: Limb-girdle muscular dystrophy, type 2B; Limb-Girdle Muscular Dystrophy Type 2B (LGMD2B); MUSCULAR DYSTROPHY, LIMB-GIRDLE, TYPE 3; MUSCULAR DYSTROPHY, LIMB-GIRDLE, AUTOSOMAL RECESSIVE 2. Identifiers: Orphanet 268, MedGen C1850889, MONDO:0009676, OMIM 253601.
Distal myopathy with anterior tibial onset. Identifiers: Orphanet 178400, MedGen C1847532, MONDO:0011721, OMIM 606768.

Submission:

Juno Genomics, Hangzhou Juno Genomics, Inc
Classification: Likely pathogenic for Miyoshi muscular dystrophy 1; Autosomal recessive limb-girdle muscular dystrophy type 2B; Distal myopathy with anterior tibial onset. Review status: criteria provided, single submitter. Criteria: ACMG Guidelines, 2015. Collection method: clinical testing. Allele origin: germline.
Comment: Null variant in a gene where loss of function (LOF) is a known mechanism of disease.;Absent from controls (or at extremely low frequency if recessive) in Genome Aggregation Database.

NM_001130987.2(DYSF):c.5307_5308del (p.Glu1770fs)

Gene: DYSF (dysferlin; plus strand). Cytogenetic location: 2p13.2.
Variant type: Deletion.
Coding change: c.5307_5308del on transcript NM_001130987.2 (MANE Select); coding-DNA positions 5307 to 5308, 2 bases deleted (TG; older notation c.5307_5308delTG).
Protein change: p.Glu1770fs; shifts the reading frame from glutamic acid 1770.
Molecular consequence: frameshift variant.
Genome position (GRCh38, 1-based): chr2:71,665,294-71,665,295, TG deleted. VCF-style (leftmost placement, unchanged base first): chr2-71665293-TTG-T. GRCh37 (hg19) VCF-style: chr2-71892423-TTG-T.
Other names: c.5193_5194del, p.Glu1732fs (NM_001130455.2); c.5148_5149del, p.Glu1717fs (NM_001130976.2); c.5151_5152del, p.Glu1718fs (NM_001130986.2); c.5190_5191del, p.Glu1731fs (NM_003494.4); c.5211_5212del, p.Glu1738fs (NM_001130977.2); c.5253_5254del, p.Glu1752fs (NM_001130978.2); c.5283_5284del, p.Glu1762fs (NM_001130979.2); c.5241_5242del, p.Glu1748fs (NM_001130980.2); and 5 more; short protein forms E1769fs, E1731fs, E1732fs, E1763fs, E1770fs, E1718fs, E1749fs, E1762fs.
Identifiers: ClinVar variation 5006328 (VCV005006328.2).